The following is an entry in ClinVar:

NM_004484.4(GPC3):c.1569del (p.Ala524fs)

Gene: GPC3 (glypican 3; minus strand). Cytogenetic location: Xq26.2.
Variant type: Deletion.
Coding change: c.1569del on transcript NM_004484.4 (MANE Select); coding-DNA position 1569, one base deleted (T; older notation c.1569delT).
Protein change: p.Ala524fs; shifts the reading frame from alanine 524.
Molecular consequence: frameshift variant.
Genome position (GRCh38, 1-based): chrX:133,596,444, A deleted on the plus strand (T on the coding strand, the reverse complement: GPC3 is on the minus strand); the first of 2 consecutive A bases (chrX:133,596,444-133,596,445); deleting either gives the same sequence. VCF-style (leftmost placement, unchanged base first): chrX-133596443-CA-C. GRCh37 (hg19) VCF-style: chrX-132730471-CA-C.
Other names: c.1638del, p.Ala547fs (NM_001164617.2); c.1521del, p.Ala508fs (NM_001164618.2); c.1407del, p.Ala470fs (NM_001164619.2); short protein forms A470fs, A508fs, A524fs, A547fs.
Identifiers: ClinVar variation 1067035 (VCV001067035.9), dbSNP rs2124330798, ClinGen allele CA2499226370.

ClinVar aggregate classification (germline): Pathogenic (1 of 4 stars; one submission).

Conditions:
Wilms tumor 1 (WT1). Also called: Wilms tumor, somatic. Identifiers: Orphanet 654, MedGen CN033288, MONDO:0008679, OMIM 194070.

Submission:

Labcorp Genetics (formerly Invitae), Labcorp
Classification: Pathogenic for Wilms tumor 1. Last evaluated: 2023-07-14. Review status: criteria provided, single submitter. Criteria: Invitae Variant Classification Sherloc (09022015). Collection method: clinical testing. Allele origin: germline.
Comment: For these reasons, this variant has been classified as Pathogenic. This variant disrupts a region of the GPC3 protein in which other variant(s) (p.G556R) have been determined to be pathogenic (PMID: 19215053, 29637653). This suggests that this is a clinically significant region of the protein, and that variants that disrupt it are likely to be disease-causing. ClinVar contains an entry for this variant (Variation ID: 1067035). This variant has not been reported in the literature in individuals affected with GPC3-related conditions. This variant is not present in population databases (gnomAD no frequency). This sequence change creates a premature translational stop signal (p.Ala524Glnfs*26) in the GPC3 gene. While this is not anticipated to result in nonsense mediated decay, it is expected to disrupt the last 57 amino acid(s) of the GPC3 protein.

Literature cited by the submitters: PubMed 19215053; PubMed 29637653.